The following is an entry in ClinVar:

ClinVar aggregate classification (germline): Pathogenic. Review status: criteria provided, multiple submitters, no conflicts (2 of 4 stars). 4 submissions from 4 submitters: Pathogenic (4). Last evaluated 2024-12-30.

Conditions:
Autosomal recessive limb-girdle muscular dystrophy type 2C (LGMDR5). Also called: MUSCULAR DYSTROPHY, DUCHENNE-LIKE; MUSCULAR DYSTROPHY, LIMB-GIRDLE, AUTOSOMAL RECESSIVE 5. Identifiers: Orphanet 353, MedGen C0410173, MONDO:0009677, OMIM 253700. Disease mechanism: Affects gamma-sarcoglycan and also disrupts the integrity of the entire sarcoglycan complex..

Submissions (4):

Myriad Genetics, Inc.
Classification: Pathogenic for Autosomal recessive limb-girdle muscular dystrophy type 2C. Last evaluated: 2024-12-30. Review status: criteria provided, single submitter. Criteria: Myriad Autosomal Dominant, Autosomal Recessive and X-Linked Classification Criteria (2023). Collection method: clinical testing. Allele origin: unknown.
Comment: NM_000231.2(SGCG):c.177dupA(V60Sfs*96) is expected to be pathogenic in the context of gamma-sarcoglycanopathy. This variant is predicted to lead to an abnormal or absent protein product due to the creation of a premature termination codon in SGCG, a gene where loss-of-function variants are known to be pathogenic. Please note: this variant was assessed in the context of healthy population screening.

Kariminejad - Najmabadi Pathology & Genetics Center
Classification: Pathogenic for Autosomal recessive limb-girdle muscular dystrophy type 2C. Last evaluated: 2024-07-20. Review status: criteria provided, single submitter. Criteria: ACMG Guidelines, 2015. Collection method: clinical testing. Allele origin: germline. Inheritance: Autosomal recessive inheritance. Affected: yes.
Comment: PVS1(Very Strong),PM2,PP5

Labcorp Genetics (formerly Invitae), Labcorp
Classification: Pathogenic for Autosomal recessive limb-girdle muscular dystrophy type 2C. Last evaluated: 2024-07-16. Review status: criteria provided, single submitter. Criteria: Invitae Variant Classification Sherloc (09022015). Collection method: clinical testing. Allele origin: germline.
Comment: This sequence change creates a premature translational stop signal (p.Val60Serfs*96) in the SGCG gene. It is expected to result in an absent or disrupted protein product. Loss-of-function variants in SGCG are known to be pathogenic (PMID: 18285821). This variant is not present in population databases (gnomAD no frequency). This premature translational stop signal has been observed in individual(s) with sarcoglycanopathy (PMID: 32875335). ClinVar contains an entry for this variant (Variation ID: 1323590). For these reasons, this variant has been classified as Pathogenic.

Revvity Omics, Revvity
Classification: Pathogenic for Autosomal recessive limb-girdle muscular dystrophy type 2C. Last evaluated: 2019-05-28. Review status: criteria provided, single submitter. Criteria: ACMG Guidelines, 2015. Collection method: clinical testing. Allele origin: germline.

Literature cited by the submitters: PubMed 18285821 (cited by Labcorp Genetics (formerly Invitae), Labcorp); PubMed 32875335 (cited by Labcorp Genetics (formerly Invitae), Labcorp).

NM_000231.3(SGCG):c.177dup (p.Val60fs)

Gene: SGCG (sarcoglycan gamma; plus strand). Cytogenetic location: 13q12.12.
Variant type: Duplication.
Coding change: c.177dup on transcript NM_000231.3 (MANE Select); coding-DNA position 177, one base duplicated (A; older notation c.177dupA).
Protein change: p.Val60fs; shifts the reading frame from valine 60.
Molecular consequence: frameshift variant.
Genome position (GRCh38, 1-based): chr13:23,203,871, A duplicated; the last of 3 consecutive A bases (chr13:23,203,869-23,203,871); duplicating any one gives the same sequence. VCF-style (leftmost placement, unchanged base first): chr13-23203868-T-TA. GRCh37 (hg19) VCF-style: chr13-23778007-T-TA.
Other names: c.231dup, p.Val78fs (NM_001378244.1); c.177dup, p.Val60fs (NM_001378245.1, NM_001378246.1); short protein forms V60fs, V78fs.
Identifiers: ClinVar variation 1323590 (VCV001323590.8), dbSNP rs2137501584, ClinGen allele CA2573053788.
Genomic context (GRCh38, chr13:23,203,868, plus strand): 5'-GTTTGTTCTTCTTTTACTCATCATCCTCGTTGTGAATTTAGCTCTTACAATTTGGATTCT[T>TA]AAAGTGATGTGGTTTTCTCCAGTAAGTATCATTATTTTCTGGTAAGCATGTTCTTGTTTT-3'